The following is an entry in ClinVar:

NM_017849.4(TMEM127):c.284T>A (p.Val95Asp)

Gene: TMEM127 (transmembrane protein 127; minus strand). Cytogenetic location: 2q11.2.
Variant type: single nucleotide variant.
Coding change: c.284T>A on transcript NM_017849.4 (MANE Select); coding-DNA position 284, T replaced by A.
Protein change: p.Val95Asp; replaces valine 95 with aspartic acid.
Molecular consequence: missense variant.
Genome position (GRCh38, 1-based): chr2:96,254,958, A>T on the plus strand (T>A on the coding strand, the complement: TMEM127 is on the minus strand). VCF-style: chr2-96254958-A-T. GRCh37 (hg19) VCF-style: chr2-96920696-A-T.
Other names: c.284T>A, p.Val95Asp (NM_001193304.3); c.32T>A, p.Val11Asp (NM_001407282.1, NM_001407283.1); short protein forms V11D, V95D.
Identifiers: ClinVar variation 4844463 (VCV004844463.1).

ClinVar aggregate classification (germline): Uncertain significance (1 of 4 stars; one submission).

Conditions:
Hereditary cancer-predisposing syndrome. Also called: Neoplastic Syndromes, Hereditary; Tumor predisposition; Hereditary Cancer Syndrome; Hereditary neoplastic syndrome. Identifiers: Orphanet 140162, MedGen C0027672, MeSH D009386, MONDO:0015356.

Submission:

Ambry Genetics
Classification: Uncertain significance for Hereditary cancer-predisposing syndrome. Last evaluated: 2026-02-09. Review status: criteria provided, single submitter. Criteria: Ambry Variant Classification Scheme 2023. Collection method: clinical testing. Allele origin: germline.
Comment: The p.V95D variant (also known as c.284T>A), located in coding exon 2 of the TMEM127 gene, results from a T to A substitution at nucleotide position 284. The valine at codon 95 is replaced by aspartic acid, an amino acid with highly dissimilar properties. This amino acid position is highly conserved in available vertebrate species. In addition, this alteration is predicted to be deleterious by in silico analysis. Based on the available evidence, the clinical significance of this variant remains unclear.